The following is an entry in ClinVar:

NM_006361.6(HOXB13):c.633C>A (p.Cys211Ter)

Gene: HOXB13 (homeobox B13; minus strand). Cytogenetic location: 17q21.32.
Variant type: single nucleotide variant.
Coding change: c.633C>A on transcript NM_006361.6 (MANE Select); coding-DNA position 633, C replaced by A.
Protein change: p.Cys211Ter; replaces cysteine 211 with a stop codon.
Molecular consequence: nonsense.
Genome position (GRCh38, 1-based): chr17:48,727,012, G>T on the plus strand (C>A on the coding strand, the complement: HOXB13 is on the minus strand). VCF-style: chr17-48727012-G-T. GRCh37 (hg19) VCF-style: chr17-46804374-G-T.
Other names: short protein forms C211*.
Identifiers: ClinVar variation 972321 (VCV000972321.25), dbSNP rs760440566, ClinGen allele CA8633937.

ClinVar aggregate classification (germline): Uncertain significance. Review status: criteria provided, multiple submitters, no conflicts (2 of 4 stars). 3 submissions from 3 submitters: Uncertain significance (2). 1 of the submissions does not count toward it. Last evaluated 2024-11-08.

Conditions:
Hereditary cancer-predisposing syndrome. Also called: Neoplastic Syndromes, Hereditary; Hereditary Cancer Syndrome; Hereditary neoplastic syndrome; Tumor predisposition. Identifiers: Orphanet 140162, MedGen C0027672, MeSH D009386, MONDO:0015356.
Gastric cancer. Also called: Stomach cancer; Malignant tumor of stomach. Identifiers: MedGen C0024623, MeSH D013274, MONDO:0001056, OMIM 613659, HP:0012126.

Allele frequency attached by ClinVar (database versions not stated): gnomAD exomes below 0.00001; ExAC 0.00001.

Submissions (3):

Ambry Genetics
Classification: Uncertain significance for Hereditary cancer-predisposing syndrome. Last evaluated: 2024-11-08. Review status: criteria provided, single submitter. Criteria: Ambry Variant Classification Scheme 2023. Collection method: clinical testing. Allele origin: germline.
Comment: The p.C211* variant (also known as c.633C>A), located in coding exon 2 of the HOXB13 gene, results from a C to A substitution at nucleotide position 633. This changes the amino acid from a cysteine to a stop codon within coding exon 2. This alteration occurs at the 3' terminus of theHOXB13 gene, is not expected to trigger nonsense-mediated mRNAdecay, and only impacts the last 74 amino acids of the protein. The exact functional effect of this alteration is unknown. Based on the available evidence, the clinical significance of this variant remains unclear.

Labcorp Genetics (formerly Invitae), Labcorp
Classification: Uncertain significance. Last evaluated: 2023-10-23. Review status: criteria provided, single submitter. Criteria: Invitae Variant Classification Sherloc (09022015). Collection method: clinical testing. Allele origin: germline.
Comment: This sequence change creates a premature translational stop signal (p.Cys211*) in the HOXB13 gene. While this is not anticipated to result in nonsense mediated decay, it is expected to disrupt the last 74 amino acid(s) of the HOXB13 protein. This variant is present in population databases (rs760440566, gnomAD 0.01%). This variant has not been reported in the literature in individuals affected with HOXB13-related conditions. ClinVar contains an entry for this variant (Variation ID: 972321). Experimental studies and prediction algorithms are not available or were not evaluated, and the functional significance of this variant is currently unknown. In summary, the available evidence is currently insufficient to determine the role of this variant in disease. Therefore, it has been classified as a Variant of Uncertain Significance.

Laboratory for Genotyping Development, RIKEN
Classification: Pathogenic for Gastric cancer. Last evaluated: 2021-07-01. Review status: no assertion criteria provided. Collection method: research. Allele origin: germline. Not counted in ClinVar's aggregate classification.

Literature cited by the submitters: PubMed 36988593 (cited by Laboratory for Genotyping Development, RIKEN).